The following is an entry in ClinVar:

NM_002432.3(MNDA):c.1215T>A (p.Asn405Lys)

Gene: MNDA (myeloid cell nuclear differentiation antigen; plus strand). Cytogenetic location: 1q23.1.
Variant type: single nucleotide variant.
Coding change: c.1215T>A on transcript NM_002432.3 (MANE Select); coding-DNA position 1215, T replaced by A.
Protein change: p.Asn405Lys; replaces asparagine 405 with lysine.
Molecular consequence: missense variant.
Genome position (GRCh38, 1-based): chr1:158,849,228, T>A. VCF-style: chr1-158849228-T-A. GRCh37 (hg19) VCF-style: chr1-158819018-T-A.
Other names: short protein forms N405K.
Identifiers: ClinVar variation 1751530 (VCV001751530.2), dbSNP rs140803418, ClinGen allele CA343045930.

ClinVar aggregate classification (germline): Uncertain significance (1 of 4 stars; one submission).

gnomAD v4.1: 1 of 1,611,966 alleles (0.000062%); highest among the groups gnomAD compares: East Asian, 0.0022%; no homozygotes.

Submission:

Ambry Genetics
Classification: Uncertain significance. Last evaluated: 2021-10-31. Review status: criteria provided, single submitter. Criteria: Ambry Variant Classification Scheme 2023. Collection method: clinical testing. Allele origin: germline.
Comment: The p.N405K variant (also known as c.1215T>A), located in coding exon 6 of the MNDA gene, results from a T to A substitution at nucleotide position 1215. The asparagine at codon 405 is replaced by lysine, an amino acid with similar properties. This amino acid position is conserved. In addition, this alteration is predicted to be tolerated by in silico analysis. Since supporting evidence is limited at this time, the clinical significance of this alteration remains unclear.